The following is an entry in ClinVar:

ClinVar aggregate classification (germline): Uncertain significance (1 of 4 stars; one submission).

Conditions:
Monogenic hearing loss.

Submission:

Genetics Laboratory, Great Ormond Street Hospital NHS Foundation Trust, North Thames Genomic Laboratory Hub
Classification: Uncertain significance for Monogenic hearing loss. Last evaluated: 2025-08-13. Review status: criteria provided, single submitter. Criteria: ACGS Best Practice Guidelines for Variant Classification in Rare Disease 2024 v1.2. Collection method: clinical testing. Allele origin: germline. Affected: yes.
Comment: PM2_moderate, PVS1_moderate

NM_177398.4(LMX1A):c.379C>T (p.Arg127Ter)

Gene: LMX1A (LIM homeobox transcription factor 1 alpha; minus strand). Cytogenetic location: 1q23.3.
Variant type: single nucleotide variant.
Coding change: c.379C>T on transcript NM_177398.4 (MANE Select); coding-DNA position 379, C replaced by T.
Protein change: p.Arg127Ter; replaces arginine 127 with a stop codon.
Molecular consequence: nonsense.
Genome position (GRCh38, 1-based): chr1:165,249,525, G>A on the plus strand (C>T on the coding strand, the complement: LMX1A is on the minus strand). VCF-style: chr1-165249525-G-A. GRCh37 (hg19) VCF-style: chr1-165218762-G-A.
Other names: c.379C>T, p.Arg127Ter (NM_001174069.2); short protein forms R127*.
Identifiers: ClinVar variation 4279646 (VCV004279646.1).